The following is an entry in ClinVar:

NM_000179.3(MSH6):c.3910A>G (p.Arg1304Gly)

Gene: MSH6 (mutS homolog 6; plus strand). Cytogenetic location: 2p16.3.
Variant type: single nucleotide variant.
Coding change: c.3910A>G on transcript NM_000179.3 (MANE Select); coding-DNA position 3910, A replaced by G.
Protein change: p.Arg1304Gly; replaces arginine 1304 with glycine.
Molecular consequence: missense variant.
Genome position (GRCh38, 1-based): chr2:47,806,560, A>G. VCF-style: chr2-47806560-A-G. GRCh37 (hg19) VCF-style: chr2-48033699-A-G.
Other names: c.3520A>G, p.Arg1174Gly (NM_001281492.2); c.3004A>G, p.Arg1002Gly (NM_001281493.2, NM_001281494.2); short protein forms R1174G, R1304G, R1002G.
Identifiers: ClinVar variation 824372 (VCV000824372.5), dbSNP rs1572747155, ClinGen allele CA346761439.

ClinVar aggregate classification (germline): Uncertain significance (1 of 4 stars; one submission).

Conditions:
Hereditary cancer-predisposing syndrome. Also called: Neoplastic Syndromes, Hereditary; Tumor predisposition; Hereditary neoplastic syndrome; Hereditary Cancer Syndrome. Identifiers: Orphanet 140162, MedGen C0027672, MeSH D009386, MONDO:0015356.

gnomAD v4.1: 8 of 1,613,872 alleles (0.0005%); highest among the groups gnomAD compares: Non-Finnish European, 0.00068%; no homozygotes.

Submission:

Ambry Genetics
Classification: Uncertain significance for Hereditary cancer-predisposing syndrome. Last evaluated: 2025-03-27. Review status: criteria provided, single submitter. Criteria: Ambry Variant Classification Scheme 2023. Collection method: clinical testing. Allele origin: germline.
Comment: The p.R1304G variant (also known as c.3910A>G), located in coding exon 9 of the MSH6 gene, results from an A to G substitution at nucleotide position 3910. The arginine at codon 1304 is replaced by glycine, an amino acid with dissimilar properties. This amino acid position is highly conserved in available vertebrate species. In addition, this alteration is predicted to be deleterious by in silico analysis. Based on the available evidence, the clinical significance of this variant remains unclear.